The following is an entry in ClinVar:

ClinVar aggregate classification (germline): Uncertain significance (1 of 4 stars; one submission).

Conditions:
Long QT syndrome (LQTS). Identifiers: MedGen C0023976, MeSH D008133, MONDO:0002442. Disease mechanism: loss of function. Inheritance: Various modes of inheritance.

Allele frequency attached by ClinVar (database versions not stated): gnomAD 0.00001.
gnomAD v4.1: 9 of 1,392,458 alleles (0.00065%); highest among the groups gnomAD compares: East Asian, 0.028%; no homozygotes.

Submission:

Labcorp Genetics (formerly Invitae), Labcorp
Classification: Uncertain significance for Long QT syndrome. Last evaluated: 2023-04-06. Review status: criteria provided, single submitter. Criteria: Invitae Variant Classification Sherloc (09022015). Collection method: clinical testing. Allele origin: germline.
Comment: This variant is not present in population databases (gnomAD no frequency). In summary, the available evidence is currently insufficient to determine the role of this variant in disease. Therefore, it has been classified as a Variant of Uncertain Significance. An algorithm developed to predict the effect of missense changes on protein structure and function (PolyPhen-2) suggests that this variant is likely to be tolerated. This variant has not been reported in the literature in individuals affected with KCNH2-related conditions. This sequence change replaces leucine, which is neutral and non-polar, with valine, which is neutral and non-polar, at codon 248 of the KCNH2 protein (p.Leu248Val).

NM_000238.4(KCNH2):c.742C>G (p.Leu248Val)

Gene: KCNH2 (potassium voltage-gated channel subfamily H member 2; minus strand). Cytogenetic location: 7q36.1.
Variant type: single nucleotide variant.
Coding change: c.742C>G on transcript NM_000238.4 (MANE Select); coding-DNA position 742, C replaced by G.
Protein change: p.Leu248Val; replaces leucine 248 with valine.
Molecular consequence: missense variant. On other transcripts: non-coding transcript variant (1).
Genome position (GRCh38, 1-based): chr7:150,958,233, G>C on the plus strand (C>G on the coding strand, the complement: KCNH2 is on the minus strand). VCF-style: chr7-150958233-G-C. GRCh37 (hg19) VCF-style: chr7-150655321-G-C.
Other names: c.454C>G, p.Leu152Val (NM_001406753.1, NM_001406756.1); c.565C>G, p.Leu189Val (NM_001406755.1); c.442C>G, p.Leu148Val (NM_001406757.1); c.742C>G, p.Leu248Val (NM_172056.3); short protein forms L248V, L148V, L152V, L189V.
Identifiers: ClinVar variation 2971167 (VCV002971167.3), dbSNP rs1584865611, ClinGen allele CA369862666.